The following is an entry in ClinVar:

ClinVar aggregate classification (germline): Uncertain significance. Review status: criteria provided, multiple submitters, no conflicts (2 of 4 stars). 3 submissions from 3 submitters: Uncertain significance (3). Last evaluated 2024-08-14.

Conditions:
Familial thoracic aortic aneurysm and aortic dissection (TAAD). Also called: Thoracic aortic aneurysms and dissections. Identifiers: Orphanet 91387, MedGen C4707243, MONDO:0019625.

Allele frequency attached by ClinVar (database versions not stated): TOPMed 0.00001.

Submissions (3):

Ambry Genetics
Classification: Uncertain significance for Familial thoracic aortic aneurysm and aortic dissection. Last evaluated: 2024-08-14. Review status: criteria provided, single submitter. Criteria: Ambry Variant Classification Scheme 2023. Collection method: clinical testing. Allele origin: germline.
Comment: The p.A4V variant (also known as c.11C>T), located in coding exon 1 of the TGFBR1 gene, results from a C to T substitution at nucleotide position 11. The alanine at codon 4 is replaced by valine, an amino acid with similar properties. This amino acid position is well conserved in available vertebrate species. In addition, this alteration is predicted to be tolerated by in silico analysis. Based on the available evidence, the clinical significance of this variant remains unclear.

Labcorp Genetics (formerly Invitae), Labcorp
Classification: Uncertain significance for Familial thoracic aortic aneurysm and aortic dissection. Last evaluated: 2022-10-23. Review status: criteria provided, single submitter. Criteria: Invitae Variant Classification Sherloc (09022015). Collection method: clinical testing. Allele origin: germline.
Comment: In summary, the available evidence is currently insufficient to determine the role of this variant in disease. Therefore, it has been classified as a Variant of Uncertain Significance. This sequence change replaces alanine, which is neutral and non-polar, with valine, which is neutral and non-polar, at codon 4 of the TGFBR1 protein (p.Ala4Val). The frequency data for this variant in the population databases is considered unreliable, as metrics indicate insufficient coverage at this position in the gnomAD database. This variant has not been reported in the literature in individuals affected with TGFBR1-related conditions. ClinVar contains an entry for this variant (Variation ID: 841963). Advanced modeling of protein sequence and biophysical properties (such as structural, functional, and spatial information, amino acid conservation, physicochemical variation, residue mobility, and thermodynamic stability) performed at Invitae indicates that this missense variant is not expected to disrupt TGFBR1 protein function.

ARUP Laboratories, Molecular Genetics and Genomics, ARUP Laboratories
Classification: Uncertain significance. Last evaluated: 2020-02-07. Review status: criteria provided, single submitter. Criteria: ARUP Molecular Germline Variant Investigation Process. Collection method: clinical testing. Allele origin: germline.
Comment: The TGFBR1 c.11C>T; p.Ala4Val variant (rs1331965992), to our knowledge, is not reported in the medical literature but is reported in the Leiden open variation database (see link). This variant is absent from general population databases (Exome Variant Server, Genome Aggregation Database), indicating it is not a common polymorphism. The alanine at codon 4 is weakly conserved, and computational analyses (SIFT, PolyPhen-2) predict that this variant is tolerated. Due to limited information, the clinical significance of the p.Ala4Val variant is uncertain at this time. References: Link to Leiden open variation database for TGFBR1

NM_004612.4(TGFBR1):c.11C>T (p.Ala4Val)

Genes: TGFBR1 (transforming growth factor beta receptor 1; plus strand), LOC130002223 (ATAC-STARR-seq lymphoblastoid silent region 20124; plus strand). Cytogenetic location: 9q22.33.
Variant type: single nucleotide variant.
Coding change: c.11C>T on transcript NM_004612.4 (MANE Select); coding-DNA position 11, C replaced by T.
Protein change: p.Ala4Val; replaces alanine 4 with valine.
Molecular consequence: missense variant.
Genome position (GRCh38, 1-based): chr9:99,105,216, C>T. VCF-style: chr9-99105216-C-T. GRCh37 (hg19) VCF-style: chr9-101867498-C-T.
Other names: c.11C>T, p.Ala4Val (NM_001130916.3, NM_001306210.2); short protein forms A4V.
Identifiers: ClinVar variation 841963 (VCV000841963.19), dbSNP rs1331965992, ClinGen allele CA374223482.
Genomic context (GRCh38, chr9:99,105,216, plus strand): 5'-GCAGCGGCGCGGCCGGGCCGGGCCGGGCCACAGGCGGTGGCGGCGGGACCATGGAGGCGG[C>T]GGTCGCTGCTCCGCGTCCCCGGCTGCTCCTCCTCGTGCTGGCGGCGGCGGCGGCGGCGGC-3'
Protein context (NP_004603.1, residues 1-14): MEA[Ala4Val]VAAPRPRLLL